The following is an entry in ClinVar:

ClinVar aggregate classification (germline): Uncertain significance (1 of 4 stars; one submission).

Conditions:
Inborn genetic diseases. Identifiers: MedGen C0950123, MeSH D030342.

Submission:

Ambry Genetics
Classification: Uncertain significance for Inborn genetic diseases. Last evaluated: 2019-12-05. Review status: criteria provided, single submitter. Criteria: Ambry Variant Classification Scheme 2023. Collection method: clinical testing. Allele origin: germline.
Comment: The p.I459F variant (also known as c.1375A>T), located in coding exon 11 of the DNM2 gene, results from an A to T substitution at nucleotide position 1375. The isoleucine at codon 459 is replaced by phenylalanine, an amino acid with highly similar properties. This amino acid position is highly conserved in available vertebrate species. In addition, this alteration is predicted to be deleterious by in silico analysis. Since supporting evidence is limited at this time, the clinical significance of this alteration remains unclear.

NM_001005361.3(DNM2):c.1375A>T (p.Ile459Phe)

Gene: DNM2 (dynamin 2; plus strand). Cytogenetic location: 19p13.2.
Variant type: single nucleotide variant.
Coding change: c.1375A>T on transcript NM_001005361.3 (MANE Select); coding-DNA position 1375, A replaced by T.
Protein change: p.Ile459Phe; replaces isoleucine 459 with phenylalanine.
Molecular consequence: missense variant.
Genome position (GRCh38, 1-based): chr19:10,798,525, A>T. VCF-style: chr19-10798525-A-T. GRCh37 (hg19) VCF-style: chr19-10909201-A-T.
Other names: c.1375A>T, p.Ile459Phe (NM_001005360.3, NM_001005362.3, NM_001190716.2 and 1 more transcripts); short protein forms I459F.
Identifiers: ClinVar variation 1771133 (VCV001771133.2), dbSNP rs2513248073, ClinGen allele CA404049591.